The following is an entry in ClinVar:

ClinVar aggregate classification (germline): Uncertain significance (1 of 4 stars; one submission).

Conditions:
Werner syndrome (WRN). Identifiers: Orphanet 902, MedGen C0043119, MONDO:0010196, OMIM 277700.

Allele frequency attached by ClinVar (database versions not stated): gnomAD exomes 0.00001 and 0.00002; ExAC 0.00003.
gnomAD v4.1: 4 of 1,613,480 alleles (0.00025%); highest among the groups gnomAD compares: South Asian, 0.0033%; no homozygotes.

Submission:

Labcorp Genetics (formerly Invitae), Labcorp
Classification: Uncertain significance for Werner syndrome. Last evaluated: 2020-04-01. Review status: criteria provided, single submitter. Criteria: Invitae Variant Classification Sherloc (09022015). Collection method: clinical testing. Allele origin: germline.
Comment: This variant has not been reported in the literature in individuals with WRN-related conditions. This sequence change replaces isoleucine with valine at codon 397 of the WRN protein (p.Ile397Val). The isoleucine residue is moderately conserved and there is a small physicochemical difference between isoleucine and valine. This variant is present in population databases (rs767571801, ExAC 0.02%). Algorithms developed to predict the effect of missense changes on protein structure and function output the following: SIFT: "Not available"; PolyPhen-2: "Benign"; Align-GVGD: "Not available". The valine amino acid residue is found in multiple mammalian species, suggesting that this missense change does not adversely affect protein function. These predictions have not been confirmed by published functional studies and their clinical significance is uncertain. In summary, the available evidence is currently insufficient to determine the role of this variant in disease. Therefore, it has been classified as a Variant of Uncertain Significance.

NM_000553.6(WRN):c.1189A>G (p.Ile397Val)

Gene: WRN (WRN RecQ like helicase; plus strand). Cytogenetic location: 8p12.
Variant type: single nucleotide variant.
Coding change: c.1189A>G on transcript NM_000553.6 (MANE Select); coding-DNA position 1189, A replaced by G.
Protein change: p.Ile397Val; replaces isoleucine 397 with valine.
Molecular consequence: missense variant.
Genome position (GRCh38, 1-based): chr8:31,081,216, A>G. VCF-style: chr8-31081216-A-G. GRCh37 (hg19) VCF-style: chr8-30938732-A-G.
Other names: short protein forms I397V.
Identifiers: ClinVar variation 1058924 (VCV001058924.3), dbSNP rs767571801, ClinGen allele CA4704267.